The following is an entry in ClinVar:

ClinVar aggregate classification (germline): Pathogenic. Review status: criteria provided, multiple submitters, no conflicts (2 of 4 stars). 3 submissions from 3 submitters: Pathogenic (2). 1 of the submissions does not count toward it. Last evaluated 2024-03-17.

Conditions:
Oculocerebrofacial syndrome, Kaufman type. Also called: Blepharophimosis-ptosis-intellectual disability syndrome. Identifiers: Orphanet 2707, MedGen C1855663, MONDO:0009485, OMIM 244450.

Allele frequency attached by ClinVar (database versions not stated): gnomAD exomes below 0.00001.
gnomAD v4.1: 3 of 1,614,122 alleles (0.00019%); highest among the groups gnomAD compares: Middle Eastern, 0.016%; no homozygotes.

Submissions (3):

Genomic Medicine Center of Excellence, King Faisal Specialist Hospital and Research Centre
Classification: Pathogenic for Oculocerebrofacial syndrome, Kaufman type. Last evaluated: 2024-03-17. Review status: criteria provided, single submitter. Criteria: ACMG Guidelines, 2015. Collection method: research. Allele origin: germline.

Juno Genomics, Hangzhou Juno Genomics, Inc
Classification: Pathogenic for Oculocerebrofacial syndrome, Kaufman type. Review status: criteria provided, single submitter. Criteria: ACMG Guidelines, 2015. Collection method: clinical testing. Allele origin: germline.
Comment: Absent from controls (or at extremely low frequency if recessive) in Genome Aggregation Database.;Null variant in a gene where loss of function (LOF) is a known mechanism of disease.;For recessive disorders, detected in trans with a pathogenic variant.

Hacettepe Genetic Diseases Diagnosis Center, Hacettepe University Faculty of Medicine
Classification: Pathogenic for Oculocerebrofacial syndrome, Kaufman type. Review status: no assertion criteria provided. Collection method: clinical testing. Allele origin: germline. Inheritance: Autosomal recessive inheritance. Affected: yes. Observed: 2 homozygotes. Clinical features observed: Intellectual disability (HP:0001249), Blepharophimosis (HP:0000581), Microtia (HP:0008551), Hearing impairment (HP:0000365), Congenital laryngomalacia (HP:0001601), Global developmental delay (HP:0001263), Respiratory insufficiency (HP:0002093), Abnormal facial shape (HP:0001999), Feeding difficulties in infancy (HP:0008872), Sensorineural hearing loss disorder (HP:0000407). Not counted in ClinVar's aggregate classification.
Comment: A homozygous nonsense mutation c.556C>T (p.Arg186Ter) was found in two affected siblings in the UBE3B gene which caused Kaufman oculocerebrofacial syndrome. Sequencing analysis revealed that the parents were heterozygous. The UBE3B gene encodes an E3 ubiquitin ligase with two main splice variants differed by presence of HECT domain, that determines functionality (Basel-Vanagaite et al., 2012). The Arg186Ter variant is located upstream to the HECT domain which truncates protein before this critical domain. Additionally, the Arg186Ter variant is classified as pathogenic according to the ACMG guidelines.

NM_130466.4(UBE3B):c.556C>T (p.Arg186Ter)

Gene: UBE3B (ubiquitin protein ligase E3B; plus strand). Cytogenetic location: 12q24.11.
Variant type: single nucleotide variant.
Coding change: c.556C>T on transcript NM_130466.4 (MANE Select); coding-DNA position 556, C replaced by T.
Protein change: p.Arg186Ter; replaces arginine 186 with a stop codon.
Molecular consequence: nonsense.
Genome position (GRCh38, 1-based): chr12:109,489,930, C>T. VCF-style: chr12-109489930-C-T. GRCh37 (hg19) VCF-style: chr12-109927735-C-T.
Other names: c.556C>T, p.Arg186Ter (NM_001270449.2, NM_001270450.2, NM_001270451.2 and 1 more transcripts); short protein forms R186*.
Identifiers: ClinVar variation 870136 (VCV000870136.7), dbSNP rs1566078009, ClinGen allele CA386631681.
Genomic context (GRCh38, chr12:109,489,930, plus strand): 5'-TCACATTATGGCAAGAGACTTTTTTGTTCTCACTGTTTTCTTTCTTTAGGTGAAAGTCTT[C>T]GACCAGCGATGAACCACATTTGTGCAAATATAATGGGACATCTCAACCAGCATGGATTTT-3'